The following is an entry in ClinVar:

ClinVar aggregate classification (germline): Uncertain significance. Review status: criteria provided, multiple submitters, no conflicts (2 of 4 stars). 3 submissions from 3 submitters: Uncertain significance (3). Last evaluated 2025-03-11.

Conditions:
HSD17B4-related disorder. Also called: HSD17B4-related condition; HSD17B4-related disorders.
Perrault syndrome. Also called: Gonadal dysgenesis with auditory dysfunction, autosomal recessive inheritance. Identifiers: Orphanet 2855, MedGen C0685838, MONDO:0017312.
Bifunctional peroxisomal enzyme deficiency (DBIF). Also called: D-bifunctional protein deficiency; DBP DEFICIENCY; PBFE DEFICIENCY. Identifiers: Orphanet 300, MedGen C0342870, MONDO:0009855, OMIM 261515. Disease mechanism: loss of function.

Allele frequency attached by ClinVar (database versions not stated): gnomAD exomes below 0.00001 and 0.00002; ExAC 0.00004; gnomAD 0.00011; ESP Exome Variant Server 0.00015; TOPMed 0.00015.
gnomAD v4.1: 21 of 1,557,260 alleles (0.0013%); highest among the groups gnomAD compares: African/African-American, 0.026%; no homozygotes.

Submissions (3):

PreventionGenetics, part of Exact Sciences
Classification: Uncertain significance for HSD17B4-related condition. Last evaluated: 2025-03-11. Review status: criteria provided, single submitter. Criteria: ACMG Guidelines, 2015. Collection method: clinical testing. Allele origin: germline.
Comment: The HSD17B4 c.1262G>A variant is predicted to result in the amino acid substitution p.Gly421Glu. To our knowledge, this variant has not been reported in the literature. This variant is reported in 0.024% of alleles in individuals of African descent in gnomAD. At this time, the clinical significance of this variant is uncertain due to the absence of conclusive functional and genetic evidence.

Labcorp Genetics (formerly Invitae), Labcorp
Classification: Uncertain significance for Perrault syndrome; Bifunctional peroxisomal enzyme deficiency. Last evaluated: 2022-10-03. Review status: criteria provided, single submitter. Criteria: Invitae Variant Classification Sherloc (09022015). Collection method: clinical testing. Allele origin: germline.
Comment: This sequence change replaces glycine, which is neutral and non-polar, with glutamic acid, which is acidic and polar, at codon 421 of the HSD17B4 protein (p.Gly421Glu). This variant is present in population databases (rs139500402, gnomAD 0.03%). This variant has not been reported in the literature in individuals affected with HSD17B4-related conditions. ClinVar contains an entry for this variant (Variation ID: 502349). Algorithms developed to predict the effect of missense changes on protein structure and function are either unavailable or do not agree on the potential impact of this missense change (SIFT: "Deleterious"; PolyPhen-2: "Benign"; Align-GVGD: "Class C0"). In summary, the available evidence is currently insufficient to determine the role of this variant in disease. Therefore, it has been classified as a Variant of Uncertain Significance.

Eurofins Ntd Llc (ga)
Classification: Uncertain significance. Last evaluated: 2018-05-17. Review status: criteria provided, single submitter. Criteria: EGL ClinVar v180209 classification definitions. Collection method: clinical testing. Allele origin: germline. Observed: 2 variant alleles, 2 heterozygotes.

NM_000414.4(HSD17B4):c.1262G>A (p.Gly421Glu)

Gene: HSD17B4 (hydroxysteroid 17-beta dehydrogenase 4; plus strand). Cytogenetic location: 5q23.1.
Variant type: single nucleotide variant.
Coding change: c.1262G>A on transcript NM_000414.4 (MANE Select); coding-DNA position 1262, G replaced by A.
Protein change: p.Gly421Glu; replaces glycine 421 with glutamic acid.
Molecular consequence: missense variant.
Genome position (GRCh38, 1-based): chr5:119,506,818, G>A. VCF-style: chr5-119506818-G-A. GRCh37 (hg19) VCF-style: chr5-118842513-G-A.
Other names: c.1262G>A (NM_000414.3); c.1337G>A, p.Gly446Glu (NM_001199291.3); c.1208G>A, p.Gly403Glu (NM_001199292.2); c.1190G>A, p.Gly397Glu (NM_001292027.2); c.842G>A, p.Gly281Glu (NM_001292028.2); short protein forms G421E, G281E, G397E, G446E, G403E.
Identifiers: ClinVar variation 502349 (VCV000502349.8), dbSNP rs139500402, ClinGen allele CA3382167.
Genomic context (GRCh38, chr5:119,506,818, plus strand): 5'-ATCTTATTATAGTAATCTTTGGTTTTTAAGACACTGTATTTCTTTTACTTTTCTTTCTAG[G>A]AAAATTAAAATGTGAAGCAGTTGTTGCTGATGTCCTAGATAAAGGATCCGGTGTAGTGAT-3'
Protein context (NP_000405.1, residues 411-431): LELYKPLPRA[Gly421Glu]KLKCEAVVAD